The following is an entry in ClinVar:

ClinVar aggregate classification (germline): Uncertain significance (1 of 4 stars; one submission).

Conditions:
Glycogen storage disease IXa1. Also called: GLYCOGEN STORAGE DISEASE VIII; GSD VIII; Glycogen storage disease 8; LIVER GLYCOGENOSIS, X-LINKED, TYPE I. Identifiers: Orphanet 264580, MedGen C3694531, MONDO:0010598, OMIM 306000.

Submission:

Labcorp Genetics (formerly Invitae), Labcorp
Classification: Uncertain significance for Glycogen storage disease IXa1. Last evaluated: 2023-07-14. Review status: criteria provided, single submitter. Criteria: Invitae Variant Classification Sherloc (09022015). Collection method: clinical testing. Allele origin: germline.
Comment: In summary, the available evidence is currently insufficient to determine the role of this variant in disease. Therefore, it has been classified as a Variant of Uncertain Significance. Advanced modeling of protein sequence and biophysical properties (such as structural, functional, and spatial information, amino acid conservation, physicochemical variation, residue mobility, and thermodynamic stability) has been performed at Invitae for this missense variant, however the output from this modeling did not meet the statistical confidence thresholds required to predict the impact of this variant on PHKA2 protein function. This variant has not been reported in the literature in individuals affected with PHKA2-related conditions. This variant is not present in population databases (gnomAD no frequency). This sequence change replaces glutamic acid, which is acidic and polar, with lysine, which is basic and polar, at codon 1142 of the PHKA2 protein (p.Glu1142Lys).

NM_000292.3(PHKA2):c.3424G>A (p.Glu1142Lys)

Genes: PHKA2-AS1 (PHKA2 antisense RNA 1; plus strand), PHKA2 (phosphorylase kinase regulatory subunit alpha 2; minus strand). Cytogenetic location: Xp22.13.
Variant type: single nucleotide variant.
Coding change: c.3424G>A on transcript NM_000292.3 (MANE Select); coding-DNA position 3424, G replaced by A.
Protein change: p.Glu1142Lys; replaces glutamic acid 1142 with lysine.
Molecular consequence: missense variant. On other transcripts: non-coding transcript variant (1).
Genome position (GRCh38, 1-based): chrX:18,894,317, C>T on the plus strand (G>A on the coding strand, the complement: PHKA2 is on the minus strand). VCF-style: chrX-18894317-C-T. GRCh37 (hg19) VCF-style: chrX-18912435-C-T.
Other names: short protein forms E1142K.
Identifiers: ClinVar variation 2743375 (VCV002743375.3), dbSNP rs2518517861, ClinGen allele CA412375623.